The following is an entry in ClinVar:

NM_003079.5(SMARCE1):c.1025C>G (p.Thr342Arg)

Gene: SMARCE1 (SWI/SNF related BAF chromatin remodeling complex subunit E1; minus strand). Cytogenetic location: 17q21.2.
Variant type: single nucleotide variant.
Coding change: c.1025C>G on transcript NM_003079.5 (MANE Select); coding-DNA position 1025, C replaced by G.
Protein change: p.Thr342Arg; replaces threonine 342 with arginine.
Molecular consequence: missense variant.
Genome position (GRCh38, 1-based): chr17:40,630,716, G>C on the plus strand (C>G on the coding strand, the complement: SMARCE1 is on the minus strand). VCF-style: chr17-40630716-G-C. GRCh37 (hg19) VCF-style: chr17-38786968-G-C.
Other names: short protein forms T342R.
Identifiers: ClinVar variation 463411 (VCV000463411.9), dbSNP rs367908836, ClinGen allele CA8545111.
Genomic context (GRCh38, chr17:40,630,716, plus strand): 5'-TTAAAGACAGCCGTACAAAGTCTTGGCACTGCCTCTGCGTTTGTTGCTAGTGGGTTACCT[G>C]TCTCCATCGGAATGTTCTCGTCGTCTTTCTTCTCCTCGCCTTTGTTAGCTGCTTGTTCTT-3'
Protein context (NP_003070.3, residues 332-352): KKDDENIPME[Thr342Arg]EETHLEETTE

ClinVar aggregate classification (germline): Uncertain significance. Review status: criteria provided, multiple submitters, no conflicts (2 of 4 stars). 2 submissions from 2 submitters: Uncertain significance (2). Last evaluated 2025-11-05.

Conditions:
Hereditary cancer-predisposing syndrome. Also called: Neoplastic Syndromes, Hereditary; Hereditary Cancer Syndrome; Hereditary neoplastic syndrome; Tumor predisposition. Identifiers: Orphanet 140162, MedGen C0027672, MeSH D009386, MONDO:0015356.
Familial meningioma. Also called: Meningioma, familial, susceptibility to. Identifiers: Orphanet 263662, MedGen C3551915, MONDO:0011789, OMIM 607174.

Allele frequency attached by ClinVar (database versions not stated): gnomAD exomes below 0.00001; ExAC 0.00001; TOPMed 0.00002; ESP Exome Variant Server 0.00008.

Submissions (2):

Labcorp Genetics (formerly Invitae), Labcorp
Classification: Uncertain significance for Familial meningioma. Last evaluated: 2025-11-05. Review status: criteria provided, single submitter. Criteria: Invitae Variant Classification Sherloc (09022015). Collection method: clinical testing. Allele origin: germline.
Comment: This sequence change replaces threonine, which is neutral and polar, with arginine, which is basic and polar, at codon 342 of the SMARCE1 protein (p.Thr342Arg). This variant is present in population databases (rs367908836, gnomAD 0.007%). This variant has not been reported in the literature in individuals affected with SMARCE1-related conditions. ClinVar contains an entry for this variant (Variation ID: 463411). An algorithm developed to predict the effect of missense changes on protein structure and function (PolyPhen-2) suggests that this variant is likely to be disruptive. In summary, the available evidence is currently insufficient to determine the role of this variant in disease. Therefore, it has been classified as a Variant of Uncertain Significance.

Ambry Genetics
Classification: Uncertain significance for Hereditary cancer-predisposing syndrome. Last evaluated: 2024-09-18. Review status: criteria provided, single submitter. Criteria: Ambry Variant Classification Scheme 2023. Collection method: clinical testing. Allele origin: germline.
Comment: The p.T342R variant (also known as c.1025C>G), located in coding exon 9 of the SMARCE1 gene, results from a C to G substitution at nucleotide position 1025. The threonine at codon 342 is replaced by arginine, an amino acid with similar properties. This amino acid position is conserved. In addition, this alteration is predicted to be tolerated by in silico analysis. Based on the available evidence, the clinical significance of this variant remains unclear.